The following is an entry in ClinVar:

NM_001351132.2(PEX5):c.846+5G>A

Gene: PEX5 (peroxisomal biogenesis factor 5; plus strand). Cytogenetic location: 12p13.31.
Variant type: single nucleotide variant.
Coding change: c.846+5G>A on transcript NM_001351132.2 (MANE Select); 5 bases into the intron after coding-DNA position 846, G replaced by A.
Molecular consequence: intron variant.
Genome position (GRCh38, 1-based): chr12:7,202,709, G>A. VCF-style: chr12-7202709-G-A. GRCh37 (hg19) VCF-style: chr12-7355305-G-A.
Other names: c.735+5G>A (NM_001351124.3, NM_001351126.2, NM_001374646.1 and 10 more transcripts); c.846+5G>A (NM_001131026.2, NM_001351131.2, NM_001374647.2 and 6 more transcripts); c.780+5G>A (NM_001351135.3, NM_001351138.2); c.891+5G>A (NM_001131023.2).
Identifiers: ClinVar variation 2071649 (VCV002071649.4), dbSNP rs2540160425, ClinGen allele CA2580086288.

ClinVar aggregate classification (germline): Uncertain significance (1 of 4 stars; one submission).

Conditions:
Peroxisome biogenesis disorder 2B (PBD2B). Identifiers: Orphanet 44, MedGen C3550234, MONDO:0008736, OMIM 202370.

Allele frequency attached by ClinVar (database versions not stated): gnomAD exomes below 0.00001.
gnomAD v4.1: 1 of 1,604,600 alleles (0.000062%); highest among the groups gnomAD compares: Non-Finnish European, 0.000085%; no homozygotes.

Submission:

Labcorp Genetics (formerly Invitae), Labcorp
Classification: Uncertain significance for Peroxisome biogenesis disorder 2B. Last evaluated: 2022-06-04. Review status: criteria provided, single submitter. Criteria: Invitae Variant Classification Sherloc (09022015). Collection method: clinical testing. Allele origin: germline.
Comment: This sequence change falls in intron 9 of the PEX5 gene. It does not directly change the encoded amino acid sequence of the PEX5 protein. It affects a nucleotide within the consensus splice site. This variant is not present in population databases (gnomAD no frequency). This variant has not been reported in the literature in individuals affected with PEX5-related conditions. Variants that disrupt the consensus splice site are a relatively common cause of aberrant splicing (PMID: 17576681, 9536098). Algorithms developed to predict the effect of sequence changes on RNA splicing suggest that this variant may disrupt the consensus splice site. In summary, the available evidence is currently insufficient to determine the role of this variant in disease. Therefore, it has been classified as a Variant of Uncertain Significance.

Literature cited by the submitters: PubMed 17576681; PubMed 9536098.